The following is an entry in ClinVar:

NM_002692.4(POLE2):c.755+3A>G

Gene: POLE2 (DNA polymerase epsilon 2, accessory subunit; minus strand). Cytogenetic location: 14q21.3.
Variant type: single nucleotide variant.
Coding change: c.755+3A>G on transcript NM_002692.4 (MANE Select); 3 bases into the intron after coding-DNA position 755, A replaced by G.
Molecular consequence: intron variant.
Genome position (GRCh38, 1-based): chr14:49,663,312, T>C on the plus strand (A>G on the coding strand, the complement: POLE2 is on the minus strand). VCF-style: chr14-49663312-T-C. GRCh37 (hg19) VCF-style: chr14-50130030-T-C.
Other names: c.677+3A>G (NM_001197330.2); c.755+3A>G (NM_001348384.2, NM_001197331.3); c.524+3A>G (NM_001348385.2).
Identifiers: ClinVar variation 3652051 (VCV003652051.2).

ClinVar aggregate classification (germline): Uncertain significance (1 of 4 stars; one submission).

Submission:

Labcorp Genetics (formerly Invitae), Labcorp
Classification: Uncertain significance. Last evaluated: 2024-05-02. Review status: criteria provided, single submitter. Criteria: Invitae Variant Classification Sherloc (09022015). Collection method: clinical testing. Allele origin: germline.
Comment: This sequence change falls in intron 10 of the POLE2 gene. It does not directly change the encoded amino acid sequence of the POLE2 protein. It affects a nucleotide within the consensus splice site. This variant is not present in population databases (gnomAD no frequency). This variant has not been reported in the literature in individuals affected with POLE2-related conditions. Variants that disrupt the consensus splice site are a relatively common cause of aberrant splicing (PMID: 17576681, 9536098). Algorithms developed to predict the effect of sequence changes on RNA splicing suggest that this variant may disrupt the consensus splice site. In summary, the available evidence is currently insufficient to determine the role of this variant in disease. Therefore, it has been classified as a Variant of Uncertain Significance.

Literature cited by the submitters: PubMed 17576681; PubMed 9536098.